The following is an entry in ClinVar:

ClinVar aggregate classification (germline): Conflicting classifications of pathogenicity. Review status: criteria provided, conflicting classifications (1 of 4 stars). 7 submissions from 7 submitters: Uncertain significance (2); Likely benign (4). 1 of the submissions does not count toward it. Last evaluated 2025-12-28.

Conditions:
NTRK1-related disorder. Also called: NTRK1-related condition.
Inborn genetic diseases. Identifiers: MedGen C0950123, MeSH D030342.
Hereditary insensitivity to pain with anhidrosis (CIPA). Also called: HSAN Type IV; hereditary sensory and autonomic neuropathy type 4; INSENSITIVITY TO PAIN, CONGENITAL, WITH ANHIDROSIS; FAMILIAL DYSAUTONOMIA, TYPE II; NTRK1 Congenital Insensitivity to Pain with Anhidrosis; NEUROPATHY, CONGENITAL SENSORY, WITH ANHIDROSIS. Identifiers: Orphanet 642, MedGen C0020074, MONDO:0009746, OMIM 256800.

Allele frequency attached by ClinVar (database versions not stated): gnomAD 0.00007; ESP Exome Variant Server 0.00008; gnomAD exomes 0.00008 and 0.00020; ExAC 0.00010; TOPMed 0.00018; 1000 Genomes Project 0.00020; 1000 Genomes Project 30x 0.00031.
gnomAD v4.1: 283 of 1,558,698 alleles (0.018%); highest among the groups gnomAD compares: Non-Finnish European, 0.023%; no homozygotes.

Submissions (7):

Labcorp Genetics (formerly Invitae), Labcorp
Classification: Likely benign for Hereditary insensitivity to pain with anhidrosis. Last evaluated: 2025-12-28. Review status: criteria provided, single submitter. Criteria: Invitae Variant Classification Sherloc (09022015). Collection method: clinical testing. Allele origin: germline.

CeGaT Center for Human Genetics Tuebingen
Classification: Likely benign. Last evaluated: 2022-06-01. Review status: criteria provided, single submitter. Criteria: CeGaT Center For Human Genetics Tuebingen Variant Classification Criteria Version 2. Collection method: clinical testing. Allele origin: germline. Affected: yes. Observed: 1 variant allele.
Comment: NTRK1: BP4, BP7

Pars Genome Lab
Classification: Uncertain significance for Hereditary insensitivity to pain with anhidrosis. Last evaluated: 2021-05-18. Review status: criteria provided, single submitter. Criteria: ACMG Guidelines, 2015. Collection method: clinical testing. Allele origin: germline. Affected: no.

GeneDx
Classification: Likely benign. Last evaluated: 2021-03-08. Review status: criteria provided, single submitter. Criteria: GeneDx Variant Classification Process June 2021. Collection method: clinical testing. Allele origin: germline. Affected: yes.

Ambry Genetics
Classification: Likely benign for Inborn genetic diseases. Last evaluated: 2019-07-11. Review status: criteria provided, single submitter. Criteria: Ambry Variant Classification Scheme 2023. Collection method: clinical testing. Allele origin: germline.

Illumina Laboratory Services, Illumina
Classification: Uncertain significance for Hereditary insensitivity to pain with anhidrosis. Last evaluated: 2018-01-13. Review status: criteria provided, single submitter. Criteria: ICSL Variant Classification Criteria 13 December 2019. Collection method: clinical testing. Allele origin: germline.

PreventionGenetics, part of Exact Sciences
Classification: Likely benign for NTRK1-related condition. Last evaluated: 2019-04-29. Review status: no assertion criteria provided. Collection method: clinical testing. Allele origin: germline. Not counted in ClinVar's aggregate classification.
Comment: This variant is classified as likely benign based on ACMG/AMP sequence variant interpretation guidelines (Richards et al. 2015 PMID: 25741868, with internal and published modifications).

NM_002529.4(NTRK1):c.585G>A (p.Thr195=)

Gene: NTRK1 (neurotrophic receptor tyrosine kinase 1; plus strand). Cytogenetic location: 1q23.1.
Variant type: single nucleotide variant.
Coding change: c.585G>A on transcript NM_002529.4 (MANE Select); coding-DNA position 585, G replaced by A.
Protein change: p.Thr195=; no amino-acid change (threonine 195 retained).
Molecular consequence: synonymous variant.
Genome position (GRCh38, 1-based): chr1:156,868,515, G>A. VCF-style: chr1-156868515-G-A. GRCh37 (hg19) VCF-style: chr1-156838307-G-A.
Other names: c.495G>A, p.Thr165= (NM_001007792.1); c.585G>A, p.Thr195= (NM_001012331.2); c.585G>A (NM_002529.3).
Identifiers: ClinVar variation 292879 (VCV000292879.55), dbSNP rs182531655, ClinGen allele CA1169051.